The following is an entry in ClinVar:

ClinVar aggregate classification (germline): Uncertain significance (1 of 4 stars; one submission).

Allele frequency attached by ClinVar (database versions not stated): gnomAD exomes 0.00001.
gnomAD v4.1: 5 of 1,042,714 alleles (0.00048%); highest among the groups gnomAD compares: Non-Finnish European, 0.00059%; no homozygotes.

Submission:

Labcorp Genetics (formerly Invitae), Labcorp
Classification: Uncertain significance. Last evaluated: 2022-08-15. Review status: criteria provided, single submitter. Criteria: Invitae Variant Classification Sherloc (09022015). Collection method: clinical testing. Allele origin: germline.
Comment: ClinVar contains an entry for this variant (Variation ID: 1432717). Algorithms developed to predict the effect of missense changes on protein structure and function are either unavailable or do not agree on the potential impact of this missense change (SIFT: "Tolerated"; PolyPhen-2: "Possibly Damaging"; Align-GVGD: "Class C0"). In summary, the available evidence is currently insufficient to determine the role of this variant in disease. Therefore, it has been classified as a Variant of Uncertain Significance. This sequence change replaces asparagine, which is neutral and polar, with aspartic acid, which is acidic and polar, at codon 130 of the TOP2B protein (p.Asn130Asp). This variant is not present in population databases (gnomAD no frequency). This variant has not been reported in the literature in individuals affected with TOP2B-related conditions.

NM_001330700.2(TOP2B):c.403A>G (p.Asn135Asp)

Gene: TOP2B (DNA topoisomerase II beta; minus strand). Cytogenetic location: 3p24.2.
Variant type: single nucleotide variant.
Coding change: c.403A>G on transcript NM_001330700.2 (MANE Select); coding-DNA position 403, A replaced by G.
Protein change: p.Asn135Asp; replaces asparagine 135 with aspartic acid.
Molecular consequence: missense variant.
Genome position (GRCh38, 1-based): chr3:25,638,303, T>C on the plus strand (A>G on the coding strand, the complement: TOP2B is on the minus strand). VCF-style: chr3-25638303-T-C. GRCh37 (hg19) VCF-style: chr3-25679794-T-C.
Other names: c.388A>G, p.Asn130Asp (NM_001068.3); short protein forms N135D, N130D.
Identifiers: ClinVar variation 1432717 (VCV001432717.8), dbSNP rs2125388031, ClinGen allele CA351913460.